The following is an entry in ClinVar:

NM_174934.4(SCN4B):c.458A>G (p.Asp153Gly)

Genes: SCN4B (sodium voltage-gated channel beta subunit 4; minus strand), LOC126861356 (BRD4-independent group 4 enhancer GRCh37_chr11:118014519-118015718; plus strand). Cytogenetic location: 11q23.3.
Variant type: single nucleotide variant.
Coding change: c.458A>G on transcript NM_174934.4 (MANE Select); coding-DNA position 458, A replaced by G.
Protein change: p.Asp153Gly; replaces aspartic acid 153 with glycine.
Molecular consequence: missense variant. On other transcripts: intron variant (1).
Genome position (GRCh38, 1-based): chr11:118,143,838, T>C on the plus strand (A>G on the coding strand, the complement: SCN4B is on the minus strand). VCF-style: chr11-118143838-T-C. GRCh37 (hg19) VCF-style: chr11-118014553-T-C.
Other names: c.128A>G, p.Asp43Gly (NM_001142349.2); c.62-2502A>G (NM_001142348.2); short protein forms D43G, D153G.
Identifiers: ClinVar variation 1741691 (VCV001741691.3), dbSNP rs780942320, ClinGen allele CA6300211.

ClinVar aggregate classification (germline): Uncertain significance (1 of 4 stars; one submission).

Conditions:
Cardiovascular phenotype. Identifiers: MedGen CN230736.

Allele frequency attached by ClinVar (database versions not stated): TOPMed 0.00001.
gnomAD v4.1: 35 of 1,611,730 alleles (0.0022%); highest among the groups gnomAD compares: Non-Finnish European, 0.0029%; no homozygotes.

Submission:

Ambry Genetics
Classification: Uncertain significance for Cardiovascular phenotype. Last evaluated: 2024-12-17. Review status: criteria provided, single submitter. Criteria: Ambry Variant Classification Scheme 2023. Collection method: clinical testing. Allele origin: germline.
Comment: The c.458A>G variant (also known as p.D153G), located in coding exon 3 of the SCN4B gene, results from an A to G substitution at nucleotide position 458. The aspartic acid at codon 153 is replaced by glycine, an amino acid with similar properties. This nucleotide position is highly conserved in available vertebrate species. In silico splice site analysis predicts that this alteration will result in the creation or strengthening of a novel splice donor site. Since supporting evidence is limited at this time, the clinical significance of this alteration remains unclear.